The following is an entry in ClinVar:

NM_006031.6(PCNT):c.6034C>G (p.Pro2012Ala)

Gene: PCNT (pericentrin; plus strand). Cytogenetic location: 21q22.3.
Variant type: single nucleotide variant.
Coding change: c.6034C>G on transcript NM_006031.6 (MANE Select); coding-DNA position 6034, C replaced by G.
Protein change: p.Pro2012Ala; replaces proline 2012 with alanine.
Molecular consequence: missense variant.
Genome position (GRCh38, 1-based): chr21:46,412,876, C>G. VCF-style: chr21-46412876-C-G. GRCh37 (hg19) VCF-style: chr21-47832790-C-G.
Other names: c.5680C>G, p.Pro1894Ala (NM_001315529.2); short protein forms P1894A, P2012A.
Identifiers: ClinVar variation 3054125 (VCV003054125.3), dbSNP rs545826417, ClinGen allele CA10080179.

ClinVar aggregate classification (germline): Uncertain significance. Review status: criteria provided, single submitter (1 of 4 stars). 2 submissions from 2 submitters: Uncertain significance (1). 1 of the submissions does not count toward it. Last evaluated 2025-08-08.

Conditions:
Inborn genetic diseases. Identifiers: MedGen C0950123, MeSH D030342.
PCNT-related disorder. Also called: PCNT-related condition.

Allele frequency attached by ClinVar (database versions not stated): ExAC 0.00002; gnomAD 0.00003; gnomAD exomes below 0.00001; 1000 Genomes Project 30x 0.00016; 1000 Genomes Project 0.00020.
gnomAD v4.1: 7 of 1,612,846 alleles (0.00043%); highest among the groups gnomAD compares: African/African-American, 0.0093%; no homozygotes.

Submissions (2):

Ambry Genetics
Classification: Uncertain significance for Inborn genetic diseases. Last evaluated: 2025-08-08. Review status: criteria provided, single submitter. Criteria: Ambry Variant Classification Scheme 2023. Collection method: clinical testing. Allele origin: germline.

PreventionGenetics, part of Exact Sciences
Classification: Uncertain significance for PCNT-related condition. Last evaluated: 2024-02-05. Review status: no assertion criteria provided. Collection method: clinical testing. Allele origin: germline. Not counted in ClinVar's aggregate classification.
Comment: The PCNT c.6034C>G variant is predicted to result in the amino acid substitution p.Pro2012Ala. To our knowledge, this variant has not been reported in the literature. This variant is reported in 0.016% of alleles in individuals of African descent in gnomAD. At this time, the clinical significance of this variant is uncertain due to the absence of conclusive functional and genetic evidence.